The following is an entry in ClinVar:

ClinVar aggregate classification (germline): Uncertain significance (1 of 4 stars; one submission).

Submission:

Ambry Genetics
Classification: Uncertain significance. Last evaluated: 2022-11-03. Review status: criteria provided, single submitter. Criteria: Ambry Variant Classification Scheme 2023. Collection method: clinical testing. Allele origin: germline.
Comment: The p.M1447L variant (also known as c.4339A>C), located in coding exon 12 of the MLH3 gene, results from an A to C substitution at nucleotide position 4339. The methionine at codon 1447 is replaced by leucine, an amino acid with highly similar properties. This amino acid position is conserved. In addition, this alteration is predicted to be tolerated by in silico analysis. Since supporting evidence is limited at this time, the clinical significance of this alteration remains unclear.

NM_001040108.2(MLH3):c.4339A>C (p.Met1447Leu)

Gene: MLH3 (mutL homolog 3; minus strand). Cytogenetic location: 14q24.3.
Variant type: single nucleotide variant.
Coding change: c.4339A>C on transcript NM_001040108.2 (MANE Select); coding-DNA position 4339, A replaced by C.
Protein change: p.Met1447Leu; replaces methionine 1447 with leucine.
Molecular consequence: missense variant.
Genome position (GRCh38, 1-based): chr14:75,017,105, T>G on the plus strand (A>C on the coding strand, the complement: MLH3 is on the minus strand). VCF-style: chr14-75017105-T-G. GRCh37 (hg19) VCF-style: chr14-75483808-T-G.
Other names: c.4267A>C, p.Met1423Leu (NM_014381.3); short protein forms M1423L, M1447L.
Identifiers: ClinVar variation 2448595 (VCV002448595.2), dbSNP rs2503031874, ClinGen allele CA390417576.